The following is an entry in ClinVar:

ClinVar aggregate classification (germline): Likely benign (1 of 4 stars; one submission).

Allele frequency attached by ClinVar (database versions not stated): TOPMed 0.00001; gnomAD 0.00002.
gnomAD v4.1: 11 of 1,614,102 alleles (0.00068%); highest among the groups gnomAD compares: Admixed American, 0.0017%; no homozygotes.

Submission:

CeGaT Center for Human Genetics Tuebingen
Classification: Likely benign. Last evaluated: 2022-11-01. Review status: criteria provided, single submitter. Criteria: CeGaT Center For Human Genetics Tuebingen Variant Classification Criteria Version 2. Collection method: clinical testing. Allele origin: germline. Affected: yes. Observed: 1 variant allele.
Comment: NFATC3: BP4, BP7

NM_173165.3(NFATC3):c.2208A>T (p.Ser736=)

Gene: NFATC3 (nuclear factor of activated T cells 3; plus strand). Cytogenetic location: 16q22.1.
Variant type: single nucleotide variant.
Coding change: c.2208A>T on transcript NM_173165.3 (MANE Select); coding-DNA position 2208, A replaced by T.
Protein change: p.Ser736=; no amino-acid change (serine 736 retained).
Molecular consequence: synonymous variant.
Genome position (GRCh38, 1-based): chr16:68,190,877, A>T. VCF-style: chr16-68190877-A-T. GRCh37 (hg19) VCF-style: chr16-68224780-A-T.
Other names: c.2208A>T, p.Ser736= (NM_004555.4, NM_173163.3).
Identifiers: ClinVar variation 2646650 (VCV002646650.24), dbSNP rs1183775671, ClinGen allele CA496118010.